The following is an entry in ClinVar:

ClinVar aggregate classification (germline): Uncertain significance (1 of 4 stars; one submission).

Allele frequency attached by ClinVar (database versions not stated): gnomAD exomes below 0.00001.
gnomAD v4.1: 1 of 1,576,724 alleles (0.000063%); highest among the groups gnomAD compares: Non-Finnish European, 0.000086%; no homozygotes.

Submission:

Labcorp Genetics (formerly Invitae), Labcorp
Classification: Uncertain significance. Last evaluated: 2025-08-15. Review status: criteria provided, single submitter. Criteria: Invitae Variant Classification Sherloc (09022015). Collection method: clinical testing. Allele origin: germline.
Comment: This sequence change creates a premature translational stop signal (p.Trp446*) in the FUK gene. It is expected to result in an absent or disrupted protein product. However, the current clinical and genetic evidence is not sufficient to establish whether loss-of-function variants in FUK cause disease. This variant is not present in population databases (gnomAD no frequency). This variant has not been reported in the literature in individuals affected with FUK-related conditions. ClinVar contains an entry for this variant (Variation ID: 2120287). In summary, the available evidence is currently insufficient to determine the role of this variant in disease. Therefore, it has been classified as a Variant of Uncertain Significance.

NM_145059.3(FCSK):c.1338G>A (p.Trp446Ter)

Gene: FCSK (fucose kinase; plus strand). Cytogenetic location: 16q22.1.
Variant type: single nucleotide variant.
Coding change: c.1338G>A on transcript NM_145059.3 (MANE Select); coding-DNA position 1338, G replaced by A.
Protein change: p.Trp446Ter; replaces tryptophan 446 with a stop codon.
Molecular consequence: nonsense.
Genome position (GRCh38, 1-based): chr16:70,471,349, G>A. VCF-style: chr16-70471349-G-A. GRCh37 (hg19) VCF-style: chr16-70505252-G-A.
Other names: short protein forms W446*.
Identifiers: ClinVar variation 2120287 (VCV002120287.4), dbSNP rs2507431835, ClinGen allele CA396569190.